The following is an entry in ClinVar:

ClinVar aggregate classification (germline): Conflicting classifications of pathogenicity. Review status: criteria provided, conflicting classifications (1 of 4 stars). 11 submissions from 11 submitters: Uncertain significance (10); Likely benign (1). Last evaluated 2025-11-05.

Conditions:
Hereditary cancer-predisposing syndrome. Also called: Neoplastic Syndromes, Hereditary; Hereditary neoplastic syndrome; Hereditary Cancer Syndrome; Tumor predisposition. Identifiers: Orphanet 140162, MedGen C0027672, MeSH D009386, MONDO:0015356.
Familial prostate cancer. Also called: Hereditary Prostate Cancer. Identifiers: MedGen C2931456, MONDO:0700275, OMIM 176807.
Hereditary breast ovarian cancer syndrome. Also called: Breast and ovarian cancer; Hereditary breast and/or ovarian cancer syndrome; Hereditary breast and ovarian cancer syndrome; Hereditary breast and ovarian cancer syndrome (HBOC); Hereditary breast and ovarian cancer; BRCA1- and BRCA2-Associated Hereditary Breast and Ovarian Cancer. Identifiers: Orphanet 145, MedGen C0677776, MeSH D061325, MONDO:0003582. Disease mechanism: loss of function.
Familial cancer of breast. Also called: BREAST CANCER, FAMILIAL; hereditary breast carcinoma; Hereditary breast cancer. Identifiers: Orphanet 227535, MedGen C0346153, MONDO:0016419, OMIM 114480. Disease mechanism: loss of function.

Allele frequency attached by ClinVar (database versions not stated): TOPMed below 0.00001; gnomAD 0.00001; gnomAD exomes 0.00001; ExAC 0.00002.
gnomAD v4.1: 15 of 1,607,260 alleles (0.00093%); highest among the groups gnomAD compares: African/African-American, 0.0013%; no homozygotes.

Submissions (11):

Labcorp Genetics (formerly Invitae), Labcorp
Classification: Uncertain significance for Hereditary breast ovarian cancer syndrome. Last evaluated: 2025-11-05. Review status: criteria provided, single submitter. Criteria: Invitae Variant Classification Sherloc (09022015). Collection method: clinical testing. Allele origin: germline.
Comment: This sequence change replaces proline, which is neutral and non-polar, with arginine, which is basic and polar, at codon 2096 of the BRCA2 protein (p.Pro2096Arg). This variant is present in population databases (rs587781396, gnomAD 0.004%). This missense change has been observed in individual(s) with glioblastoma and/or breast cancer (PMID: 12955716, 21318380, 26689913, 26733283). ClinVar contains an entry for this variant (Variation ID: 140958). Invitae Evidence Modeling of protein sequence and biophysical properties (such as structural, functional, and spatial information, amino acid conservation, physicochemical variation, residue mobility, and thermodynamic stability) indicates that this missense variant is not expected to disrupt BRCA2 protein function with a negative predictive value of 95%. In summary, the available evidence is currently insufficient to determine the role of this variant in disease. Therefore, it has been classified as a Variant of Uncertain Significance.

Women's Health and Genetics/Laboratory Corporation of America, LabCorp
Classification: Uncertain significance. Last evaluated: 2025-08-27. Review status: criteria provided, single submitter. Criteria: LabCorp Variant Classification Summary - May 2015. Collection method: clinical testing. Allele origin: germline.
Comment: Variant summary: BRCA2 c.6287C>G (p.Pro2096Arg) results in a non-conservative amino acid change in the encoded protein sequence. Algorithms developed to predict the effect of missense changes on protein structure and function are either unavailable or do not agree on the potential impact of this missense change. The variant was absent in 244846 control chromosomes. The available data on variant occurrences in the general population are insufficient to allow any conclusion about variant significance. c.6287C>G has been reported in the literature in individuals affected with breast cancer (examples- Diez_2003, Hansen_2011, Petersen_2016, Pirim_2020). These reports do not provide unequivocal conclusions about association of the variant with Hereditary Breast And Ovarian Cancer Syndrome. Co-occurrence with another pathogenic variant has been reported (BRCA1 c.427G>T, p.E143X; Petersen_2016), providing supporting evidence for a benign role. To our knowledge, no experimental evidence demonstrating an impact on protein function has been reported. The following publications have been ascertained in the context of this evaluation (PMID: 12955716, 39402389, 21318380, 26689913, 26733283, 32599251). ClinVar contains an entry for this variant (Variation ID: 140958). Based on the evidence outlined above, the variant was classified as uncertain significance.

Ambry Genetics
Classification: Uncertain significance for Hereditary cancer-predisposing syndrome. Last evaluated: 2025-05-29. Review status: criteria provided, single submitter. Criteria: Ambry Variant Classification Scheme 2023. Collection method: clinical testing. Allele origin: germline.
Comment: The p.P2096R variant (also known as c.6287C>G), located in coding exon 10 of the BRCA2 gene, results from a C to G substitution at nucleotide position 6287. The proline at codon 2096 is replaced by arginine, an amino acid with dissimilar properties. This alteration was identified in multiple individuals diagnosed with breast cancer (D&iacute;ez O et al. Hum. Mutat., 2003 Oct;22:301-12; Hansen TV et al. Fam Cancer. 2011; 10:207-12). This amino acid position is not well conserved in available vertebrate species. In addition, this alteration is predicted to be tolerated by in silico analysis. Based on the available evidence, the clinical significance of this variant remains unclear.

Center for Genomic Medicine, Rigshospitalet, Copenhagen University Hospital
Classification: Uncertain significance. Last evaluated: 2025-03-04. Review status: criteria provided, single submitter. Criteria: ACMG Guidelines, 2015. Collection method: clinical testing. Allele origin: germline.

Color Diagnostics, LLC DBA Color Health
Classification: Uncertain significance for Hereditary cancer-predisposing syndrome. Last evaluated: 2024-12-11. Review status: criteria provided, single submitter. Criteria: ACMG Guidelines, 2015. Collection method: clinical testing. Allele origin: germline.
Comment: This missense variant replaces proline with arginine at codon 2096 of the BRCA2 protein. Computational prediction suggests that this variant may not impact protein structure and function. To our knowledge, functional studies have not been reported for this variant. This variant has been reported in three individuals affected with breast cancer, an individual affected with glioblastoma multiforme and in a suspected hereditary breast cancer family (PMID: 12955716, 21318380, 26689913, 32599251; Color internal data). A multifactorial analysis has reported a likelihood ratio for pathogenicity based on personal and family history of 0.301 from log(LR)=-0.522101402 for 3 carriers (PMID: 31853058). This variant has been identified in 1/31400 chromosomes in the general population by the Genome Aggregation Database (gnomAD). The available evidence is insufficient to determine the role of this variant in disease conclusively. Therefore, this variant is classified as a Variant of Uncertain Significance.

Quest Diagnostics Nichols Institute San Juan Capistrano
Classification: Uncertain significance. Last evaluated: 2023-08-23. Review status: criteria provided, single submitter. Criteria: Quest Diagnostics criteria. Collection method: clinical testing. Allele origin: unknown.
Comment: In the published literature, this variant has been reported in individuals with breast cancer (PMID: 12955716 (2003), 21318380 (2011), 26733283 (2016), 32599251 (2020)), and glioblastoma (PMID: 26689913 (2015)). The frequency of this variant in the general population, 0.000032 (1/31400 chromosomes (Genome Aggregation Database)), is uninformative in the assessment of its pathogenicity. Analysis of this variant using bioinformatics tools for the prediction of the effect of amino acid changes on protein structure and function yielded conflicting predictions that this variant is benign or damaging. Additional analysis using software algorithms for the prediction of the effect of nucleotide changes on BRCA2 mRNA splicing yielded predictions that this variant may result in the gain of a cryptic splice site without affecting the natural splice sites . Based on the available information, we are unable to determine the clinical significance of this variant.

Department of Pathology and Laboratory Medicine, Sinai Health System
Classification: Uncertain significance for Familial prostate cancer. Last evaluated: 2023-04-26. Review status: criteria provided, single submitter. Criteria: ACMG Guidelines, 2015. Collection method: clinical testing. Allele origin: germline. Affected: yes.

University of Washington Department of Laboratory Medicine, University of Washington
Classification: Likely benign for Hereditary cancer-predisposing syndrome. Last evaluated: 2023-03-23. Review status: criteria provided, single submitter. Criteria: Dines et al. (Genet Med. 2020). Collection method: curation. Allele origin: germline.
Comment: Missense variant in a coldspot region where missense variants are very unlikely to be pathogenic (PMID:31911673).

BRCA2 exon 11 coldspot. Reclassification based on statistical prior probability.

Sema4
Classification: Uncertain significance for Hereditary cancer-predisposing syndrome. Last evaluated: 2022-02-18. Review status: criteria provided, single submitter. Criteria: Sema4 Curation Guidelines. Collection method: curation. Allele origin: germline.
Comment: The BRCA2 c.6287C>G (p.P2096R) variant has been reported in at least two individuals with breast cancer and one with brain cancer (PMID: 21318380, 12955716, 26689913). It is also reported in two individuals with suspected hereditary breast and ovarian cancer syndrome (PMID: 32599251, 26733283), one of which also carried a known pathogenic variant in BRCA1 (PMID: 26733283). The variant was observed in 1/8716 chromosomes in the African/African American population according to the Genome Aggregation Database (PMID: 32461654) and has been reported in ClinVar (Variation ID: 140958). Functional studies have not been performed, and in silico predictions of the variant's effect on protein function are inconclusive. The evidence is insufficient to meet ACMG/AMP criteria for classifying the variant as benign or pathogenic. Thus, the clinical significance of this variant is currently uncertain.

Genetics and Molecular Pathology, SA Pathology
Classification: Uncertain significance for Familial cancer of breast. Last evaluated: 2020-08-21. Review status: criteria provided, single submitter. Criteria: ACMG Guidelines, 2015. Collection method: clinical testing. Allele origin: germline. Affected: yes.

GeneDx
Classification: Uncertain significance. Last evaluated: 2020-02-04. Review status: criteria provided, single submitter. Criteria: GeneDx Variant Classification Process June 2021. Collection method: clinical testing. Allele origin: germline. Affected: yes.
Comment: Not observed at a significant frequency in large population cohorts (Lek 2016); While protein-based in silico analysis supports that this missense variant does not alter protein structure/function, splice predictors support a deleterious effect.; Observed in individuals with breast and other cancers (Diez 2003, Hansen 2011, Lu 2015); This variant is associated with the following publications: (PMID: 12955716, 26733283, 21318380, 26689913)

Literature cited by the submitters: PubMed 12955716 (cited by 7 submitters); PubMed 21318380 (cited by 8 submitters); PubMed 26689913 (cited by 6 submitters); PubMed 26733283 (cited by 5 submitters); PubMed 32599251 (cited by 5 submitters); PubMed 39402389 (cited by Women's Health and Genetics/Laboratory Corporation of America, LabCorp); PubMed 31853058 (cited by Color Diagnostics, LLC DBA Color Health and Quest Diagnostics Nichols Institute San Juan Capistrano); PubMed 31911673 (cited by Quest Diagnostics Nichols Institute San Juan Capistrano).

NM_000059.4(BRCA2):c.6287C>G (p.Pro2096Arg)

Gene: BRCA2 (BRCA2 DNA repair associated; plus strand). Cytogenetic location: 13q13.1.
Variant type: single nucleotide variant.
Coding change: c.6287C>G on transcript NM_000059.4 (MANE Select); coding-DNA position 6287, C replaced by G.
Protein change: p.Pro2096Arg; replaces proline 2096 with arginine.
Molecular consequence: missense variant.
Genome position (GRCh38, 1-based): chr13:32,340,642, C>G. VCF-style: chr13-32340642-C-G. GRCh37 (hg19) VCF-style: chr13-32914779-C-G.
Other names: short protein forms P2096R.
Identifiers: ClinVar variation 140958 (VCV000140958.41), dbSNP rs587781396, ClinGen allele CA023823.